The following is an entry in ClinVar:

ClinVar aggregate classification (germline): Conflicting classifications of pathogenicity. Review status: criteria provided, conflicting classifications (1 of 4 stars). 8 submissions from 7 submitters: Uncertain significance (2); Benign (3); Likely benign (2). 1 of the submissions does not count toward it. Last evaluated 2026-01-22.

Conditions:
WHRN-related disorder. Also called: WHRN-related condition.
Autosomal recessive nonsyndromic hearing loss 31. Also called: WHIRLER, MOUSE, HOMOLOG OF. Identifiers: Orphanet 90636, MedGen C1846839, MONDO:0011767, OMIM 607084.
Usher syndrome type 2D. Also called: USHER SYNDROME, TYPE IID. Identifiers: Orphanet 231178, Orphanet 886, MedGen C1568249, MONDO:0012662, OMIM 611383.

Allele frequency attached by ClinVar (database versions not stated): gnomAD 0.00024 and 0.00031; ExAC 0.00068; TOPMed 0.00068; gnomAD exomes 0.00070; 1000 Genomes Project 30x 0.00094; 1000 Genomes Project 0.00120.
gnomAD v4.1: 321 of 1,613,970 alleles (0.02%); highest among the groups gnomAD compares: East Asian, 0.64%; 3 homozygotes.

Submissions (8):

Labcorp Genetics (formerly Invitae), Labcorp
Classification: Benign. Last evaluated: 2026-01-22. Review status: criteria provided, single submitter. Criteria: Invitae Variant Classification Sherloc (09022015). Collection method: clinical testing. Allele origin: germline.

Blueprint Genetics
Classification: Likely benign. Last evaluated: 2023-12-19. Review status: criteria provided, single submitter. Criteria: ACMG Guidelines, 2015. Collection method: clinical testing. Allele origin: germline.

GeneDx
Classification: Likely benign. Last evaluated: 2021-05-19. Review status: criteria provided, single submitter. Criteria: GeneDx Variant Classification Process June 2021. Collection method: clinical testing. Allele origin: germline. Affected: yes.

Illumina Laboratory Services, Illumina
Classification: Uncertain significance for Autosomal recessive nonsyndromic hearing loss 31. Last evaluated: 2018-01-13. Review status: criteria provided, single submitter. Criteria: ICSL Variant Classification Criteria 13 December 2019. Collection method: clinical testing. Allele origin: germline.

Illumina Laboratory Services, Illumina
Classification: Uncertain significance for Usher syndrome type 2D. Last evaluated: 2018-01-13. Review status: criteria provided, single submitter. Criteria: ICSL Variant Classification Criteria 13 December 2019. Collection method: clinical testing. Allele origin: germline.

Eurofins Ntd Llc (ga)
Classification: Benign. Last evaluated: 2016-08-03. Review status: criteria provided, single submitter. Criteria: EGL Classification Definitions 2015. Collection method: clinical testing. Allele origin: germline. Observed: 1 variant allele, 1 heterozygote.

Laboratory for Molecular Medicine, Mass General Brigham Personalized Medicine
Classification: Benign. Last evaluated: 2016-03-03. Review status: criteria provided, single submitter. Criteria: LMM Criteria. Collection method: clinical testing. Allele origin: germline. Observed: 3 variant alleles.
Comment: Thr536Thr in exon 7 of DFNB31: This variant is not expected to have clinical sig nificance because it does not alter an amino acid residue and is not located wit hin the splice consensus sequence, and it has been identified in 0.9% (77/8654) of East Asian chromosomes by the Exome Aggregation Consortium (ExAC .; dbSNP rs139337135).

PreventionGenetics, part of Exact Sciences
Classification: Likely benign for WHRN-related condition. Last evaluated: 2024-07-12. Review status: no assertion criteria provided. Collection method: clinical testing. Allele origin: germline. Not counted in ClinVar's aggregate classification.
Comment: This variant is classified as likely benign based on ACMG/AMP sequence variant interpretation guidelines (Richards et al. 2015 PMID: 25741868, with internal and published modifications).

NM_015404.4(WHRN):c.1608C>G (p.Thr536=)

Gene: WHRN (whirlin; minus strand). Cytogenetic location: 9q32.
Variant type: single nucleotide variant.
Coding change: c.1608C>G on transcript NM_015404.4 (MANE Select); coding-DNA position 1608, C replaced by G.
Protein change: p.Thr536=; no amino-acid change (threonine 536 retained).
Molecular consequence: synonymous variant.
Genome position (GRCh38, 1-based): chr9:114,423,332, G>C on the plus strand (C>G on the coding strand, the complement: WHRN is on the minus strand). VCF-style: chr9-114423332-G-C. GRCh37 (hg19) VCF-style: chr9-117185612-G-C.
Other names: c.459C>G, p.Thr153= (NM_001083885.3); c.1608C>G, p.Thr536= (NM_001173425.2); c.555C>G, p.Thr185= (NM_001346890.1).
Identifiers: ClinVar variation 45658 (VCV000045658.27), dbSNP rs139337135, ClinGen allele CA136889.
Genomic context (GRCh38, chr9:114,423,332, plus strand): 5'-TGCCCTGGCTACTAAGCCAGGGACAAGGCAGAAGAAGCTCACCCTGGCCGAGCTGACGGT[G>C]GTGGAGGTGCCGTGGCTGCCTGTGGATGAACCCGTGTCACTGTAGGAGACCATGGAGTAG-3'
Protein context (NP_056219.3, residues 526-546): GSSTGSHGTS[Thr536=]TVSSARNTLD